The following is an entry in ClinVar:

NM_003047.5(SLC9A1):c.1777G>T (p.Gly593Cys)

Gene: SLC9A1 (solute carrier family 9 member A1; minus strand). Cytogenetic location: 1p36.11.
Variant type: single nucleotide variant.
Coding change: c.1777G>T on transcript NM_003047.5 (MANE Select); coding-DNA position 1777, G replaced by T.
Protein change: p.Gly593Cys; replaces glycine 593 with cysteine.
Molecular consequence: missense variant. On other transcripts: non-coding transcript variant (1).
Genome position (GRCh38, 1-based): chr1:27,102,428, C>A on the plus strand (G>T on the coding strand, the complement: SLC9A1 is on the minus strand). VCF-style: chr1-27102428-C-A. GRCh37 (hg19) VCF-style: chr1-27428919-C-A.
Other names: short protein forms G593C.
Identifiers: ClinVar variation 1930100 (VCV001930100.2), dbSNP rs747566604, ClinGen allele CA711001.

ClinVar aggregate classification (germline): Uncertain significance (1 of 4 stars; one submission).

Allele frequency attached by ClinVar (database versions not stated): ExAC 0.00001; gnomAD exomes 0.00002.

Submission:

Labcorp Genetics (formerly Invitae), Labcorp
Classification: Uncertain significance. Last evaluated: 2022-06-17. Review status: criteria provided, single submitter. Criteria: Invitae Variant Classification Sherloc (09022015). Collection method: clinical testing. Allele origin: germline.
Comment: This sequence change replaces glycine, which is neutral and non-polar, with cysteine, which is neutral and slightly polar, at codon 593 of the SLC9A1 protein (p.Gly593Cys). This variant is present in population databases (rs747566604, gnomAD 0.02%). This variant has not been reported in the literature in individuals affected with SLC9A1-related conditions. Algorithms developed to predict the effect of missense changes on protein structure and function are either unavailable or do not agree on the potential impact of this missense change (SIFT: "Tolerated"; PolyPhen-2: "Possibly Damaging"; Align-GVGD: "Class C0"). Algorithms developed to predict the effect of sequence changes on RNA splicing suggest that this variant may create or strengthen a splice site. In summary, the available evidence is currently insufficient to determine the role of this variant in disease. Therefore, it has been classified as a Variant of Uncertain Significance.